The following is an entry in ClinVar:

NM_014625.4(NPHS2):c.830_833del (p.Ser277fs)

Genes: AXDND1 (axonemal dynein light chain domain containing 1; plus strand), NPHS2 (NPHS2 stomatin family member, podocin; minus strand). Cytogenetic location: 1q25.2.
Variant type: Microsatellite.
Coding change: c.830_833del on transcript NM_014625.4 (MANE Select); coding-DNA positions 830 to 833, 4 bases deleted (CACT; older notation c.830_833delCACT).
Protein change: p.Ser277fs; shifts the reading frame from serine 277.
Molecular consequence: frameshift variant. On other transcripts: intron variant (1).
Genome position (GRCh38, 1-based): chr1:179,552,643-179,552,646, AGTG deleted on the plus strand (CACT on the coding strand, the reverse complement: NPHS2 is on the minus strand); deleting any 4 consecutive bases within chr1:179,552,643-179,552,650 gives the same sequence; the c. name uses the placement nearest the transcript's 3' end. VCF-style (leftmost placement, unchanged base first): chr1-179552642-CAGTG-C. GRCh37 (hg19) VCF-style: chr1-179521777-CAGTG-C.
Other names: c.626_629del, p.Ser209fs (NM_001297575.2); c.826_829CACT[1], p.Ser277Trpfs (NM_014625.3); c.3032-1865_3032-1862del (NM_144696.6); c.830_833delCACT (NM_014625.3); short protein forms S209fs, S277fs.
Identifiers: ClinVar variation 4815735 (VCV004815735.1).

ClinVar aggregate classification (germline): Likely pathogenic (1 of 4 stars; one submission).

Conditions:
Steroid-resistant nephrotic syndrome. Identifiers: MedGen C0403397, MONDO:0044765, HP:0012588.

Submission:

Natera, Inc.
Classification: Likely pathogenic for Steroid-resistant nephrotic syndrome. Last evaluated: 2024-03-22. Review status: criteria provided, single submitter. Criteria: Natera Variant Classification Schema (03/2026). Collection method: clinical testing. Allele origin: germline.
Comment: The c.830_833delCACT variant in NPHS2 is a frameshift variant predicted to shift the reading frame beginning at codon 277 and leads to a stop codon 15 codons downstream. This variant is expected to result in nonsense mediated decay, truncation, or a dysfunctional protein product. This variant is rare in the general population with a frequency below the threshold expected for the associated phenotype(s). Given the available evidence, this variant is classified as Likely Pathogenic.